The following is an entry in ClinVar:

ClinVar aggregate classification (germline): Uncertain significance. Review status: criteria provided, multiple submitters, no conflicts (2 of 4 stars). 2 submissions from 2 submitters: Uncertain significance (2). Last evaluated 2023-07-30.

Conditions:
Inborn genetic diseases. Identifiers: MedGen C0950123, MeSH D030342.

Allele frequency attached by ClinVar (database versions not stated): ExAC 0.00002; gnomAD exomes 0.00001.
gnomAD v4.1: 13 of 1,613,788 alleles (0.00081%); highest among the groups gnomAD compares: Middle Eastern, 0.016%; 1 homozygote.

Submissions (2):

Ambry Genetics
Classification: Uncertain significance for Inborn genetic diseases. Last evaluated: 2023-07-30. Review status: criteria provided, single submitter. Criteria: Ambry Variant Classification Scheme 2023. Collection method: clinical testing. Allele origin: germline.

Labcorp Genetics (formerly Invitae), Labcorp
Classification: Uncertain significance. Last evaluated: 2022-02-24. Review status: criteria provided, single submitter. Criteria: Invitae Variant Classification Sherloc (09022015). Collection method: clinical testing. Allele origin: germline.
Comment: In summary, the available evidence is currently insufficient to determine the role of this variant in disease. Therefore, it has been classified as a Variant of Uncertain Significance. Algorithms developed to predict the effect of missense changes on protein structure and function output the following: SIFT: "Not Available"; PolyPhen-2: "Benign"; Align-GVGD: "Not Available". The histidine amino acid residue is found in multiple mammalian species, which suggests that this missense change does not adversely affect protein function. This variant has not been reported in the literature in individuals affected with SERPINF1-related conditions. This variant is present in population databases (rs778071578, gnomAD 0.007%). This sequence change replaces arginine, which is basic and polar, with histidine, which is basic and polar, at codon 174 of the SERPINF1 protein (p.Arg174His).

NM_002615.7(SERPINF1):c.521G>A (p.Arg174His)

Gene: SERPINF1 (serpin family F member 1; plus strand). Cytogenetic location: 17p13.3.
Variant type: single nucleotide variant.
Coding change: c.521G>A on transcript NM_002615.7 (MANE Select); coding-DNA position 521, G replaced by A.
Protein change: p.Arg174His; replaces arginine 174 with histidine.
Molecular consequence: missense variant. On other transcripts: 5 prime UTR variant (2).
Genome position (GRCh38, 1-based): chr17:1,771,953, G>A. VCF-style: chr17-1771953-G-A. GRCh37 (hg19) VCF-style: chr17-1675247-G-A.
Other names: c.521G>A, p.Arg174His (NM_001329903.2); c.-41G>A (NM_001329904.2, NM_001329905.2); c.521G>A (NM_002615.5); short protein forms R174H.
Identifiers: ClinVar variation 1443216 (VCV001443216.8), dbSNP rs778071578, ClinGen allele CA8274731.